The following is an entry in ClinVar:

ClinVar aggregate classification (germline): Likely pathogenic (1 of 4 stars; one submission).

Submission:

Labcorp Genetics (formerly Invitae), Labcorp
Classification: Likely pathogenic. Last evaluated: 2025-10-13. Review status: criteria provided, single submitter. Criteria: Invitae Variant Classification Sherloc (09022015). Collection method: clinical testing. Allele origin: germline.
Comment: This sequence change affects a donor splice site in intron 70 of the USH2A gene. It is expected to disrupt RNA splicing. Variants that disrupt the donor or acceptor splice site typically lead to a loss of protein function (PMID: 16199547), and loss-of-function variants in USH2A are known to be pathogenic (PMID: 10729113, 10909849, 20507924, 25649381). This variant is not present in population databases (gnomAD no frequency). This variant has not been reported in the literature in individuals affected with USH2A-related conditions. Algorithms developed to predict the effect of sequence changes on RNA splicing suggest that this variant may disrupt the consensus splice site. In summary, the currently available evidence indicates that the variant is pathogenic, but additional data are needed to prove that conclusively. Therefore, this variant has been classified as Likely Pathogenic.

Literature cited by the submitters: PubMed 16199547; PubMed 10729113; PubMed 10909849; PubMed 20507924; PubMed 25649381.

NM_206933.4(USH2A):c.15297+2T>C

Gene: USH2A (usherin; minus strand). Cytogenetic location: 1q41.
Variant type: single nucleotide variant.
Coding change: c.15297+2T>C on transcript NM_206933.4 (MANE Select); the canonical splice donor site of the intron after coding-DNA position 15297, T replaced by C.
Molecular consequence: splice donor variant.
Genome position (GRCh38, 1-based): chr1:215,634,457, A>G on the plus strand (T>C on the coding strand, the complement: USH2A is on the minus strand). VCF-style: chr1-215634457-A-G. GRCh37 (hg19) VCF-style: chr1-215807799-A-G.
Identifiers: ClinVar variation 4729143 (VCV004729143.1).